The following is an entry in ClinVar:

ClinVar aggregate classification (germline): Uncertain significance (1 of 4 stars; one submission).

Conditions:
Long QT syndrome (LQTS). Identifiers: MedGen C0023976, MeSH D008133, MONDO:0002442. Disease mechanism: loss of function. Inheritance: Various modes of inheritance.

Submission:

Labcorp Genetics (formerly Invitae), Labcorp
Classification: Uncertain significance for Long QT syndrome. Last evaluated: 2025-07-31. Review status: criteria provided, single submitter. Criteria: Invitae Variant Classification Sherloc (09022015). Collection method: clinical testing. Allele origin: germline.
Comment: This sequence change falls in intron 39 of the ANK2 gene. It does not directly change the encoded amino acid sequence of the ANK2 protein. It affects a nucleotide within the consensus splice site. This variant is not present in population databases (gnomAD no frequency). This variant has not been reported in the literature in individuals affected with ANK2-related conditions. Variants that disrupt the consensus splice site are a relatively common cause of aberrant splicing (PMID: 17576681, 9536098). Algorithms developed to predict the effect of sequence changes on RNA splicing suggest that this variant is not likely to affect RNA splicing. In summary, the available evidence is currently insufficient to determine the role of this variant in disease. Therefore, it has been classified as a Variant of Uncertain Significance.

Literature cited by the submitters: PubMed 17576681; PubMed 9536098.

NM_001148.6(ANK2):c.10756+5A>G

Gene: ANK2 (ankyrin 2; plus strand). Cytogenetic location: 4q26.
Variant type: single nucleotide variant.
Coding change: c.10756+5A>G on transcript NM_001148.6 (MANE Select); 5 bases into the intron after coding-DNA position 10756, A replaced by G.
Molecular consequence: intron variant.
Genome position (GRCh38, 1-based): chr4:113,360,902, A>G. VCF-style: chr4-113360902-A-G. GRCh37 (hg19) VCF-style: chr4-114282058-A-G.
Other names: c.4486+5A>G (NM_001386186.2, NM_001386148.2); c.4288+5A>G (NM_001354269.3); c.4366+5A>G (NM_001386187.2); c.4327+5A>G (NM_001386147.1); c.4345+5A>G (NM_001386160.1); c.4450+5A>G (NM_001354254.2); c.4471+5A>G (NM_001354239.2, NM_001354252.2); c.4372+5A>G (NM_001354272.2); and 35 more.
Identifiers: ClinVar variation 4771210 (VCV004771210.1).